The following is an entry in ClinVar:

ClinVar aggregate classification (germline): Conflicting classifications of pathogenicity. Review status: criteria provided, conflicting classifications (1 of 4 stars). 2 submissions from 2 submitters: Uncertain significance (1); Likely benign (1). Last evaluated 2025-03-03.

Conditions:
Hereditary cancer-predisposing syndrome. Also called: Tumor predisposition; Hereditary neoplastic syndrome; Neoplastic Syndromes, Hereditary; Hereditary Cancer Syndrome. Identifiers: Orphanet 140162, MedGen C0027672, MeSH D009386, MONDO:0015356.
Retinoblastoma (RB1). Also called: RETINOBLASTOMA, SOMATIC. Identifiers: Orphanet 790, MedGen C0035335, MeSH D012175, MONDO:0008380, OMIM 180200, HP:0009919. Disease mechanism: loss of function. Inheritance: Both sporadic and heritable forms are tested..

gnomAD v4.1: 1 of 1,508,982 alleles (0.000066%); highest among the groups gnomAD compares: African/African-American, 0.0014%; no homozygotes.

Submissions (2):

Ambry Genetics
Classification: Likely benign for Hereditary cancer-predisposing syndrome. Last evaluated: 2025-03-03. Review status: criteria provided, single submitter. Criteria: Ambry Variant Classification Scheme 2023. Collection method: clinical testing. Allele origin: germline.

Labcorp Genetics (formerly Invitae), Labcorp
Classification: Uncertain significance for Retinoblastoma. Last evaluated: 2022-05-05. Review status: criteria provided, single submitter. Criteria: Invitae Variant Classification Sherloc (09022015). Collection method: clinical testing. Allele origin: germline.
Comment: This variant is not present in population databases (gnomAD no frequency). This sequence change replaces threonine, which is neutral and polar, with alanine, which is neutral and non-polar, at codon 12 of the RB1 protein (p.Thr12Ala). This variant has not been reported in the literature in individuals affected with RB1-related conditions. In summary, the available evidence is currently insufficient to determine the role of this variant in disease. Therefore, it has been classified as a Variant of Uncertain Significance. Algorithms developed to predict the effect of missense changes on protein structure and function output the following: SIFT: "Tolerated"; PolyPhen-2: "Not Available"; Align-GVGD: "Class C0". The alanine amino acid residue is found in multiple mammalian species, which suggests that this missense change does not adversely affect protein function. ClinVar contains an entry for this variant (Variation ID: 664603).

NM_000321.3(RB1):c.34A>G (p.Thr12Ala)

Gene: RB1 (RB transcriptional corepressor 1; plus strand). Cytogenetic location: 13q14.2.
Variant type: single nucleotide variant.
Coding change: c.34A>G on transcript NM_000321.3 (MANE Select); coding-DNA position 34, A replaced by G.
Protein change: p.Thr12Ala; replaces threonine 12 with alanine.
Molecular consequence: missense variant.
Genome position (GRCh38, 1-based): chr13:48,303,946, A>G. VCF-style: chr13-48303946-A-G. GRCh37 (hg19) VCF-style: chr13-48878082-A-G.
Other names: short protein forms T12A.
Identifiers: ClinVar variation 664603 (VCV000664603.7), dbSNP rs1566174063, ClinGen allele CA388250195.
Genomic context (GRCh38, chr13:48,303,946, plus strand): 5'-CGCTGGCTCCCGCCGCGGAAAGGCGTCATGCCGCCCAAAACCCCCCGAAAAACGGCCGCC[A>G]CCGCCGCCGCTGCCGCCGCGGAACCCCCGGCACCGCCGCCGCCGCCCCCTCCTGAGGAGG-3'
Protein context (NP_000312.2, residues 2-22): PPKTPRKTAA[Thr12Ala]AAAAAAEPPA